The following is an entry in ClinVar:

ClinVar aggregate classification (germline): Uncertain significance (1 of 4 stars; one submission).

Conditions:
Saldino-Mainzer syndrome (SRTD9). Also called: CONORENAL SYNDROME; Renal dysplasia, retinal pigmentary dystrophy, cerebellar ataxia and skeletal dysplasia; SHORT-RIB THORACIC DYSPLASIA 9 WITHOUT POLYDACTYLY; short-rib thoracic dysplasia 9 with or without polydactyly. Identifiers: Orphanet 140969, MedGen C1849437, MONDO:0009964, OMIM 266920.

gnomAD v4.1: 1 of 1,604,612 alleles (0.000062%); highest among the groups gnomAD compares: East Asian, 0.0022%; no homozygotes.

Submission:

Labcorp Genetics (formerly Invitae), Labcorp
Classification: Uncertain significance for Saldino-Mainzer syndrome. Last evaluated: 2022-06-19. Review status: criteria provided, single submitter. Criteria: Invitae Variant Classification Sherloc (09022015). Collection method: clinical testing. Allele origin: germline.
Comment: This sequence change replaces arginine, which is basic and polar, with leucine, which is neutral and non-polar, at codon 659 of the IFT140 protein (p.Arg659Leu). This variant is not present in population databases (gnomAD no frequency). This variant has not been reported in the literature in individuals affected with IFT140-related conditions. Algorithms developed to predict the effect of missense changes on protein structure and function are either unavailable or do not agree on the potential impact of this missense change (SIFT: "Deleterious"; PolyPhen-2: "Possibly Damaging"; Align-GVGD: "Class C0"). In summary, the available evidence is currently insufficient to determine the role of this variant in disease. Therefore, it has been classified as a Variant of Uncertain Significance.

NM_014714.4(IFT140):c.1976G>T (p.Arg659Leu)

Gene: IFT140 (intraflagellar transport 140; minus strand). Cytogenetic location: 16p13.3.
Variant type: single nucleotide variant.
Coding change: c.1976G>T on transcript NM_014714.4 (MANE Select); coding-DNA position 1976, G replaced by T.
Protein change: p.Arg659Leu; replaces arginine 659 with leucine.
Molecular consequence: missense variant.
Genome position (GRCh38, 1-based): chr16:1,564,088, C>A on the plus strand (G>T on the coding strand, the complement: IFT140 is on the minus strand). VCF-style: chr16-1564088-C-A. GRCh37 (hg19) VCF-style: chr16-1614089-C-A.
Other names: short protein forms R659L.
Identifiers: ClinVar variation 2008382 (VCV002008382.4), dbSNP rs780189760, ClinGen allele CA394204944.